The following is an entry in ClinVar:

ClinVar aggregate classification (germline): Uncertain significance. Review status: criteria provided, multiple submitters, no conflicts (2 of 4 stars). 2 submissions from 2 submitters: Uncertain significance (2). Last evaluated 2025-04-15.

Conditions:
Inborn genetic diseases. Identifiers: MedGen C0950123, MeSH D030342.

Allele frequency attached by ClinVar (database versions not stated): gnomAD exomes below 0.00001; TOPMed 0.00002; gnomAD 0.00003 and 0.00004.
gnomAD v4.1: 12 of 1,539,856 alleles (0.00078%); highest among the groups gnomAD compares: African/African-American, 0.011%; no homozygotes.

Submissions (2):

Ambry Genetics
Classification: Uncertain significance for Inborn genetic diseases. Last evaluated: 2025-04-15. Review status: criteria provided, single submitter. Criteria: Ambry Variant Classification Scheme 2023. Collection method: clinical testing. Allele origin: germline.

Labcorp Genetics (formerly Invitae), Labcorp
Classification: Uncertain significance. Last evaluated: 2024-12-16. Review status: criteria provided, single submitter. Criteria: Invitae Variant Classification Sherloc (09022015). Collection method: clinical testing. Allele origin: germline.
Comment: This sequence change replaces alanine, which is neutral and non-polar, with threonine, which is neutral and polar, at codon 35 of the CNNM4 protein (p.Ala35Thr). The frequency data for this variant in the population databases is considered unreliable, as metrics indicate poor data quality at this position in the gnomAD database. This variant has not been reported in the literature in individuals affected with CNNM4-related conditions. ClinVar contains an entry for this variant (Variation ID: 971449). An algorithm developed to predict the effect of missense changes on protein structure and function outputs the following: PolyPhen-2: "Benign". The threonine amino acid residue is found in multiple mammalian species, which suggests that this missense change does not adversely affect protein function. In summary, the available evidence is currently insufficient to determine the role of this variant in disease. Therefore, it has been classified as a Variant of Uncertain Significance.

NM_020184.4(CNNM4):c.103G>A (p.Ala35Thr)

Gene: CNNM4 (cyclin and CBS domain divalent metal cation transport mediator 4; plus strand). Cytogenetic location: 2q11.2.
Variant type: single nucleotide variant.
Coding change: c.103G>A on transcript NM_020184.4 (MANE Select); coding-DNA position 103, G replaced by A.
Protein change: p.Ala35Thr; replaces alanine 35 with threonine.
Molecular consequence: missense variant.
Genome position (GRCh38, 1-based): chr2:96,761,102, G>A. VCF-style: chr2-96761102-G-A. GRCh37 (hg19) VCF-style: chr2-97426839-G-A.
Other names: short protein forms A35T.
Identifiers: ClinVar variation 971449 (VCV000971449.11), dbSNP rs1452851536, ClinGen allele CA347710808.